The following is an entry in ClinVar:

NM_020708.5(SLC12A5):c.298T>A (p.Phe100Ile)

Gene: SLC12A5 (solute carrier family 12 member 5; plus strand). Cytogenetic location: 20q13.12.
Variant type: single nucleotide variant.
Coding change: c.298T>A on transcript NM_020708.5 (MANE Select); coding-DNA position 298, T replaced by A.
Protein change: p.Phe100Ile; replaces phenylalanine 100 with isoleucine.
Molecular consequence: missense variant.
Genome position (GRCh38, 1-based): chr20:46,035,795, T>A. VCF-style: chr20-46035795-T-A. GRCh37 (hg19) VCF-style: chr20-44664434-T-A.
Other names: c.367T>A, p.Phe123Ile (NM_001134771.2); short protein forms F100I, F123I.
Identifiers: ClinVar variation 861587 (VCV000861587.10), dbSNP rs1396711146, ClinGen allele CA409187506.

ClinVar aggregate classification (germline): Uncertain significance (1 of 4 stars; one submission).

Conditions:
Developmental and epileptic encephalopathy, 34 (DEE34). Also called: Early infantile epileptic encephalopathy 34; SLC12A5-Related Epilepsy of Infancy with Migrating Focal Seizures. Identifiers: Orphanet 293181, MedGen C4225257, MONDO:0014718, OMIM 616645.

Allele frequency attached by ClinVar (database versions not stated): gnomAD exomes below 0.00001.
gnomAD v4.1: 1 of 1,613,706 alleles (0.000062%); highest among the groups gnomAD compares: Admixed American, 0.0017%; no homozygotes.

Submission:

Labcorp Genetics (formerly Invitae), Labcorp
Classification: Uncertain significance for Developmental and epileptic encephalopathy, 34. Last evaluated: 2019-12-11. Review status: criteria provided, single submitter. Criteria: Invitae Variant Classification Sherloc (09022015). Collection method: clinical testing. Allele origin: germline.
Comment: In summary, the available evidence is currently insufficient to determine the role of this variant in disease. Therefore, it has been classified as a Variant of Uncertain Significance. Algorithms developed to predict the effect of missense changes on protein structure and function (SIFT, PolyPhen-2, Align-GVGD) all suggest that this variant is likely to be tolerated, but these predictions have not been confirmed by published functional studies and their clinical significance is uncertain. This variant has not been reported in the literature in individuals with SLC12A5-related conditions. This variant is not present in population databases (ExAC no frequency). This sequence change replaces phenylalanine with isoleucine at codon 100 of the SLC12A5 protein (p.Phe100Ile). The phenylalanine residue is moderately conserved and there is a small physicochemical difference between phenylalanine and isoleucine.